The following is an entry in ClinVar:

ClinVar aggregate classification (germline): Pathogenic (1 of 4 stars; one submission).

Submission:

Labcorp Genetics (formerly Invitae), Labcorp
Classification: Pathogenic. Last evaluated: 2023-05-20. Review status: criteria provided, single submitter. Criteria: Invitae Variant Classification Sherloc (09022015). Collection method: clinical testing. Allele origin: germline.
Comment: For these reasons, this variant has been classified as Pathogenic. This variant has not been reported in the literature in individuals affected with DLL3-related conditions. This variant is not present in population databases (gnomAD no frequency). This sequence change creates a premature translational stop signal (p.Glu125*) in the DLL3 gene. It is expected to result in an absent or disrupted protein product. Loss-of-function variants in DLL3 are known to be pathogenic (PMID: 12746394).

Literature cited by the submitters: PubMed 12746394.

NM_203486.3(DLL3):c.373G>T (p.Glu125Ter)

Gene: DLL3 (delta like canonical Notch ligand 3; plus strand). Cytogenetic location: 19q13.2.
Variant type: single nucleotide variant.
Coding change: c.373G>T on transcript NM_203486.3 (MANE Select); coding-DNA position 373, G replaced by T.
Protein change: p.Glu125Ter; replaces glutamic acid 125 with a stop codon.
Molecular consequence: nonsense.
Genome position (GRCh38, 1-based): chr19:39,500,636, G>T. VCF-style: chr19-39500636-G-T. GRCh37 (hg19) VCF-style: chr19-39991276-G-T.
Other names: c.373G>T, p.Glu125Ter (NM_016941.4); short protein forms E125*.
Identifiers: ClinVar variation 3002344 (VCV003002344.3), dbSNP rs770966935, ClinGen allele CA405794410.